The following is an entry in ClinVar:

ClinVar aggregate classification (germline): Pathogenic (1 of 4 stars; one submission).

Conditions:
Hereditary cancer-predisposing syndrome. Also called: Hereditary Cancer Syndrome; Hereditary neoplastic syndrome; Neoplastic Syndromes, Hereditary; Tumor predisposition. Identifiers: Orphanet 140162, MedGen C0027672, MeSH D009386, MONDO:0015356.

Submission:

Ambry Genetics
Classification: Pathogenic for Hereditary cancer-predisposing syndrome. Last evaluated: 2025-08-26. Review status: criteria provided, single submitter. Criteria: Ambry Variant Classification Scheme 2023. Collection method: clinical testing. Allele origin: germline.
Comment: The c.704dupA pathogenic mutation, located in coding exon 5 of the CHEK2 gene, results from a duplication of A at nucleotide position 704, causing a translational frameshift with a predicted alternate stop codon (p.L236Afs*9). This variant is considered to be rare based on population cohorts in the Genome Aggregation Database (gnomAD). This alteration is expected to result in loss of function by premature protein truncation or nonsense-mediated mRNA decay. As such, this alteration is interpreted as a disease-causing mutation.

NM_007194.4(CHEK2):c.704dup (p.Leu236fs)

Gene: CHEK2 (checkpoint kinase 2; minus strand). Cytogenetic location: 22q12.1.
Variant type: Duplication.
Coding change: c.704dup on transcript NM_007194.4 (MANE Select); coding-DNA position 704, one base duplicated (A; older notation c.704dupA).
Protein change: p.Leu236fs; shifts the reading frame from leucine 236.
Molecular consequence: frameshift variant.
Genome position (GRCh38, 1-based): chr22:28,711,997, T duplicated on the plus strand (A on the coding strand, the reverse complement: CHEK2 is on the minus strand); the first of 3 consecutive T bases (chr22:28,711,997-28,711,999); duplicating any one gives the same sequence. VCF-style (leftmost placement, unchanged base first): chr22-28711996-C-CT. GRCh37 (hg19) VCF-style: chr22-29107984-C-CT.
Other names: c.833dup, p.Leu279fs (NM_001005735.3, NM_001438294.1); c.41dup, p.Leu15fs (NM_001257387.3, NM_001437942.1); c.503dup, p.Leu169fs (NM_001349956.3); c.797dup, p.Leu267fs (NM_001438293.1, NM_001438295.1); c.704dup, p.Leu236fs (NM_145862.3); short protein forms L169fs, L15fs, L279fs, L236fs, L267fs.
Identifiers: ClinVar variation 4228011 (VCV004228011.1).